The following is an entry in ClinVar:

ClinVar aggregate classification (germline): Uncertain significance (1 of 4 stars; one submission).

Allele frequency attached by ClinVar (database versions not stated): ExAC 0.00001; gnomAD exomes 0.00001.
gnomAD v4.1: 12 of 1,612,804 alleles (0.00074%); highest among the groups gnomAD compares: Admixed American, 0.0017%; no homozygotes.

Submission:

Labcorp Genetics (formerly Invitae), Labcorp
Classification: Uncertain significance. Last evaluated: 2023-11-27. Review status: criteria provided, single submitter. Criteria: Invitae Variant Classification Sherloc (09022015). Collection method: clinical testing. Allele origin: germline.
Comment: This sequence change replaces aspartic acid, which is acidic and polar, with asparagine, which is neutral and polar, at codon 567 of the MYH7B protein (p.Asp567Asn). The frequency data for this variant in the population databases is considered unreliable, as metrics indicate poor data quality at this position in the gnomAD database. This variant has not been reported in the literature in individuals affected with MYH7B-related conditions. ClinVar contains an entry for this variant (Variation ID: 1948444). Advanced modeling of protein sequence and biophysical properties (such as structural, functional, and spatial information, amino acid conservation, physicochemical variation, residue mobility, and thermodynamic stability) performed at Invitae indicates that this missense variant is not expected to disrupt MYH7B protein function with a negative predictive value of 80%. In summary, the available evidence is currently insufficient to determine the role of this variant in disease. Therefore, it has been classified as a Variant of Uncertain Significance.

NM_020884.7(MYH7B):c.1573G>A (p.Asp525Asn)

Gene: MYH7B (myosin heavy chain 7B; plus strand). Cytogenetic location: 20q11.22.
Variant type: single nucleotide variant.
Coding change: c.1573G>A on transcript NM_020884.7 (MANE Select); coding-DNA position 1573, G replaced by A.
Protein change: p.Asp525Asn; replaces aspartic acid 525 with asparagine.
Molecular consequence: missense variant.
Genome position (GRCh38, 1-based): chr20:34,988,248, G>A. VCF-style: chr20-34988248-G-A. GRCh37 (hg19) VCF-style: chr20-33576051-G-A.
Other names: short protein forms D525N.
Identifiers: ClinVar variation 1948444 (VCV001948444.5), dbSNP rs780052739, ClinGen allele CA9826981.